The following is an entry in ClinVar:

ClinVar aggregate classification (germline): other (0 of 4 stars; one submission).

Conditions:
Familial colorectal cancer. Identifiers: MedGen CN280943, MONDO:0023113. Disease mechanism: loss of function.

Submission:

Systems Biology Platform Zhejiang California International NanoSystems Institute
Classification: other for Familial colorectal cancer. Review status: no assertion criteria provided. Collection method: not provided. Allele origin: unknown.
ClinVar note: Converted during submission from cancer to other.

NM_000038.6(APC):c.645+3718T>C

Gene: APC (APC regulator of WNT signaling pathway; plus strand). Cytogenetic location: 5q22.2.
Variant type: single nucleotide variant.
Coding change: c.645+3718T>C on transcript NM_000038.6 (MANE Select); 3718 bases into the intron after coding-DNA position 645, T replaced by C.
Molecular consequence: intron variant.
Genome position (GRCh38, 1-based): chr5:112,784,621, T>C. VCF-style: chr5-112784621-T-C. GRCh37 (hg19) VCF-style: chr5-112120318-T-C.
Other names: c.645+3718T>C (NM_001354895.2, NM_001127510.3, NM_001354896.2 and 2 more transcripts); c.675+3718T>C (NM_001354897.2, NM_001354902.2, NM_001127511.3); c.570+3718T>C (NM_001354898.2, NM_001354904.2); c.-391+3718T>C (NM_001354906.2); c.468+3718T>C (NM_001354900.2, NM_001354901.2, NM_001354905.2).
Identifiers: ClinVar variation 82449 (VCV000082449.2), dbSNP rs78548578, ClinGen allele CA011464.